The following is an entry in ClinVar:

NM_005732.4(RAD50):c.3177G>C (p.Lys1059Asn)

Gene: RAD50 (RAD50 double strand break repair protein; plus strand). Cytogenetic location: 5q31.1.
Variant type: single nucleotide variant.
Coding change: c.3177G>C on transcript NM_005732.4 (MANE Select); coding-DNA position 3177, G replaced by C.
Protein change: p.Lys1059Asn; replaces lysine 1059 with asparagine.
Molecular consequence: missense variant.
Genome position (GRCh38, 1-based): chr5:132,618,082, G>C. VCF-style: chr5-132618082-G-C. GRCh37 (hg19) VCF-style: chr5-131953774-G-C.
Other names: short protein forms K1059N.
Identifiers: ClinVar variation 186191 (VCV000186191.15), dbSNP rs786202762, ClinGen allele CA194109.
Genomic context (GRCh38, chr5:132,618,082, plus strand): 5'-GTTAAAAGCTAAAAAATGGTCCTCATTTGTCATTTTTCTTTTTTACAGTGAACATCAGAA[G>C]TTGGAAGAGAACATAGACAATATAAAAAGAAATCATAATTTGGCATTAGGGCGACAGAAA-3'
Protein context (NP_005723.2, residues 1049-1069): QVLQMKSEHQ[Lys1059Asn]LEENIDNIKR

ClinVar aggregate classification (germline): Uncertain significance. Review status: criteria provided, multiple submitters, no conflicts (2 of 4 stars). 2 submissions from 2 submitters: Uncertain significance (2). Last evaluated 2023-03-17.

Conditions:
Hereditary cancer-predisposing syndrome. Also called: Hereditary neoplastic syndrome; Neoplastic Syndromes, Hereditary; Tumor predisposition; Hereditary Cancer Syndrome. Identifiers: Orphanet 140162, MedGen C0027672, MeSH D009386, MONDO:0015356.

Submissions (2):

Labcorp Genetics (formerly Invitae), Labcorp
Classification: Uncertain significance for Hereditary cancer-predisposing syndrome. Last evaluated: 2023-03-17. Review status: criteria provided, single submitter. Criteria: Invitae Variant Classification Sherloc (09022015). Collection method: clinical testing. Allele origin: germline.
Comment: Advanced modeling of protein sequence and biophysical properties (such as structural, functional, and spatial information, amino acid conservation, physicochemical variation, residue mobility, and thermodynamic stability) performed at Invitae indicates that this missense variant is not expected to disrupt RAD50 protein function. In summary, the available evidence is currently insufficient to determine the role of this variant in disease. Therefore, it has been classified as a Variant of Uncertain Significance. This sequence change replaces lysine, which is basic and polar, with asparagine, which is neutral and polar, at codon 1059 of the RAD50 protein (p.Lys1059Asn). This variant is not present in population databases (gnomAD no frequency). This variant has not been reported in the literature in individuals affected with RAD50-related conditions. ClinVar contains an entry for this variant (Variation ID: 186191).

Ambry Genetics
Classification: Uncertain significance for Hereditary cancer-predisposing syndrome. Last evaluated: 2015-07-24. Review status: criteria provided, single submitter. Criteria: Ambry Variant Classification Scheme 2023. Collection method: clinical testing. Allele origin: germline.
Comment: The p.K1059N variant (also known as c.3177G>C), located in coding exon 21 of the RAD50 gene, results from a G to C substitution at nucleotide position 3177. The lysine at codon 1059 is replaced by asparagine, an amino acid with similar properties. This variant was not reported in population based cohorts in the following databases: Database of Single Nucleotide Polymorphisms (dbSNP), NHLBI Exome Sequencing Project (ESP), and 1000 Genomes Project. In the ESP, this variant was not observed in 6502 samples (13004 alleles) with coverage at this position. To date, this alteration has been detected with an allele frequency of approximately 0.003% (greater than 65000 alleles tested) in our clinical cohort. This amino acid position is not well conserved in available vertebrate species. In addition, this alteration is predicted to be tolerated by in silico analysis. Since supporting evidence is limited at this time, the clinical significance of p.K1059N remains unclear.